The following is an entry in ClinVar:

NM_198904.4(GABRG2):c.470A>C (p.Lys157Thr)

Gene: GABRG2 (gamma-aminobutyric acid type A receptor subunit gamma2; plus strand). Cytogenetic location: 5q34.
Variant type: single nucleotide variant.
Coding change: c.470A>C on transcript NM_198904.4 (MANE Select); coding-DNA position 470, A replaced by C.
Protein change: p.Lys157Thr; replaces lysine 157 with threonine.
Molecular consequence: missense variant.
Genome position (GRCh38, 1-based): chr5:162,097,780, A>C. VCF-style: chr5-162097780-A-C. GRCh37 (hg19) VCF-style: chr5-161524786-A-C.
Other names: c.470A>C, p.Lys157Thr (NM_000816.3, NM_001375340.1, NM_001375341.1 and 4 more transcripts); c.461A>C, p.Lys154Thr (NM_001375339.1); c.404A>C, p.Lys135Thr (NM_001375345.1, NM_001375346.1); c.383A>C, p.Lys128Thr (NM_001375347.1); c.50A>C, p.Lys17Thr (NM_001375348.1, NM_001375350.1); c.185A>C, p.Lys62Thr (NM_001375349.1); short protein forms K157T, K128T, K135T, K154T, K17T, K62T.
Identifiers: ClinVar variation 546433 (VCV000546433.51), dbSNP rs770364855, ClinGen allele CA3544736.

ClinVar aggregate classification (germline): Uncertain significance. Review status: criteria provided, multiple submitters, no conflicts (2 of 4 stars). 3 submissions from 3 submitters: Uncertain significance (3). Last evaluated 2025-03-16.

Conditions:
EPILEPSY, CHILDHOOD ABSENCE, SUSCEPTIBILITY TO, 2 (ECA2). Identifiers: Orphanet 64280, MedGen C1843244, OMIM 607681.
Febrile seizures, familial, 8 (FEB8). Also called: CONVULSIONS, FAMILIAL FEBRILE, 8. Identifiers: Orphanet 36387, MedGen C1969810, MONDO:0011891, OMIM 607681.

Allele frequency attached by ClinVar (database versions not stated): gnomAD 0.00001; TOPMed 0.00001; ExAC 0.00002; gnomAD exomes 0.00002.
gnomAD v4.1: 31 of 1,613,766 alleles (0.0019%); highest among the groups gnomAD compares: Non-Finnish European, 0.0026%; no homozygotes.

Submissions (3):

Labcorp Genetics (formerly Invitae), Labcorp
Classification: Uncertain significance for Febrile seizures, familial, 8; EPILEPSY, CHILDHOOD ABSENCE, SUSCEPTIBILITY TO, 2. Last evaluated: 2025-03-16. Review status: criteria provided, single submitter. Criteria: Invitae Variant Classification Sherloc (09022015). Collection method: clinical testing. Allele origin: germline.
Comment: This sequence change replaces lysine, which is basic and polar, with threonine, which is neutral and polar, at codon 157 of the GABRG2 protein (p.Lys157Thr). This variant is present in population databases (rs770364855, gnomAD 0.004%). This variant has not been reported in the literature in individuals affected with GABRG2-related conditions. ClinVar contains an entry for this variant (Variation ID: 546433). Invitae Evidence Modeling of protein sequence and biophysical properties (such as structural, functional, and spatial information, amino acid conservation, physicochemical variation, residue mobility, and thermodynamic stability) has been performed for this missense variant. However, the output from this modeling did not meet the statistical confidence thresholds required to predict the impact of this variant on GABRG2 protein function. In summary, the available evidence is currently insufficient to determine the role of this variant in disease. Therefore, it has been classified as a Variant of Uncertain Significance.

GeneDx
Classification: Uncertain significance. Last evaluated: 2021-07-20. Review status: criteria provided, single submitter. Criteria: GeneDx Variant Classification Process June 2021. Collection method: clinical testing. Allele origin: germline. Affected: yes.
Comment: In silico analysis supports that this missense variant has a deleterious effect on protein structure/function; Has not been previously published as pathogenic or benign to our knowledge; This variant is associated with the following publications: (PMID: 27535533)

CeGaT Center for Human Genetics Tuebingen
Classification: Uncertain significance. Last evaluated: 2020-02-01. Review status: criteria provided, single submitter. Criteria: CeGaT Center For Human Genetics Tuebingen Variant Classification Criteria Version 2. Collection method: clinical testing. Allele origin: germline. Affected: yes. Observed: 1 variant allele.